The following is an entry in ClinVar:

ClinVar aggregate classification (germline): Uncertain significance (1 of 4 stars; one submission).

Allele frequency attached by ClinVar (database versions not stated): gnomAD exomes 0.00006; ESP Exome Variant Server 0.00008.
gnomAD v4.1: 104 of 1,614,042 alleles (0.0064%); highest among the groups gnomAD compares: Admixed American, 0.0067%; no homozygotes.

Submission:

Labcorp Genetics (formerly Invitae), Labcorp
Classification: Uncertain significance. Last evaluated: 2025-10-11. Review status: criteria provided, single submitter. Criteria: Invitae Variant Classification Sherloc (09022015). Collection method: clinical testing. Allele origin: germline.
Comment: This sequence change replaces valine, which is neutral and non-polar, with isoleucine, which is neutral and non-polar, at codon 439 of the NCSTN protein (p.Val439Ile). This variant is present in population databases (rs144264818, gnomAD 0.03%). This variant has not been reported in the literature in individuals affected with NCSTN-related conditions. ClinVar contains an entry for this variant (Variation ID: 1509486). Invitae Evidence Modeling of protein sequence and biophysical properties (such as structural, functional, and spatial information, amino acid conservation, physicochemical variation, residue mobility, and thermodynamic stability) indicates that this missense variant is not expected to disrupt NCSTN protein function with a negative predictive value of 80%. In summary, the available evidence is currently insufficient to determine the role of this variant in disease. Therefore, it has been classified as a Variant of Uncertain Significance.

NM_015331.3(NCSTN):c.1315G>A (p.Val439Ile)

Gene: NCSTN (nicastrin; plus strand). Cytogenetic location: 1q23.2.
Variant type: single nucleotide variant.
Coding change: c.1315G>A on transcript NM_015331.3 (MANE Select); coding-DNA position 1315, G replaced by A.
Protein change: p.Val439Ile; replaces valine 439 with isoleucine.
Molecular consequence: missense variant.
Genome position (GRCh38, 1-based): chr1:160,354,253, G>A. VCF-style: chr1-160354253-G-A. GRCh37 (hg19) VCF-style: chr1-160324043-G-A.
Other names: c.1255G>A, p.Val419Ile (NM_001290184.2); c.901G>A, p.Val301Ile (NM_001290186.2); c.1315G>A, p.Val439Ile (NM_001349729.2); short protein forms V439I, V301I, V419I.
Identifiers: ClinVar variation 1509486 (VCV001509486.7), dbSNP rs144264818, ClinGen allele CA1198956.